The following is an entry in ClinVar:

NM_000070.3(CAPN3):c.1331delinsTCGTACCCAG (p.Ala444delinsValValProSer)

Gene: CAPN3 (calpain 3; plus strand). Cytogenetic location: 15q15.1.
Variant type: Indel.
Coding change: c.1331delinsTCGTACCCAG on transcript NM_000070.3 (MANE Select); coding-DNA position 1331, C replaced by TCGTACCCAG.
Protein change: p.Ala444delinsValValProSer.
Molecular consequence: inframe indel.
Genome position (GRCh38, 1-based): chr15:42,399,629, C replaced by TCGTACCCAG. VCF-style: chr15-42399629-C-TCGTACCCAG. GRCh37 (hg19) VCF-style: chr15-42691827-C-TCGTACCCAG.
Other names: c.1331delinsTCGTACCCAG (NM_000070.2); c.1331delinsTCGTACCCAG, p.Ala444delinsValValProSer (NM_024344.2); c.1187delinsTCGTACCCAG, p.Ala396delinsValValProSer (NM_173087.2).
Identifiers: ClinVar variation 597862 (VCV000597862.7), dbSNP rs1566979504, ClinGen allele CA913190704.

ClinVar aggregate classification (germline): Uncertain significance. Review status: criteria provided, multiple submitters, no conflicts (2 of 4 stars). 3 submissions from 3 submitters: Uncertain significance (3). Last evaluated 2026-03-03.

Submissions (3):

GeneDx
Classification: Uncertain significance. Last evaluated: 2026-03-03. Review status: criteria provided, single submitter. Criteria: GeneDx Variant Classification Process June 2021. Collection method: clinical testing. Allele origin: germline.
Comment: Not observed at significant frequency in large population cohorts (gnomAD); In-frame deletion of 1 amino acid(s) and insertion of 4 different amino acid(s) in a non-repeat region; In silico analysis suggests that this variant does not alter protein structure/function; Has not been previously published as pathogenic or benign to our knowledge

Blueprint Genetics
Classification: Uncertain significance. Last evaluated: 2021-04-22. Review status: criteria provided, single submitter. Criteria: ACMG Guidelines, 2015. Collection method: clinical testing. Allele origin: germline.

Eurofins Ntd Llc (ga)
Classification: Uncertain significance. Last evaluated: 2018-07-02. Review status: criteria provided, single submitter. Criteria: EGL ClinVar v180209 classification definitions. Collection method: clinical testing. Allele origin: germline. Observed: 1 variant allele, 1 heterozygote.